The following is an entry in ClinVar:

NM_002860.4(ALDH18A1):c.34C>G (p.Pro12Ala)

Gene: ALDH18A1 (aldehyde dehydrogenase 18 family member A1; minus strand). Cytogenetic location: 10q24.1.
Variant type: single nucleotide variant.
Coding change: c.34C>G on transcript NM_002860.4 (MANE Select); coding-DNA position 34, C replaced by G.
Protein change: p.Pro12Ala; replaces proline 12 with alanine.
Molecular consequence: missense variant. On other transcripts: 5 prime UTR variant (4).
Genome position (GRCh38, 1-based): chr10:95,653,344, G>C on the plus strand (C>G on the coding strand, the complement: ALDH18A1 is on the minus strand). VCF-style: chr10-95653344-G-C. GRCh37 (hg19) VCF-style: chr10-97413101-G-C.
Other names: c.34C>G, p.Pro12Ala (NM_001017423.2, NM_001323413.2, NM_001323414.2 and 2 more transcripts); c.-85C>G (NM_001323412.2, NM_001323416.2, NM_001323418.2); c.-133C>G (NM_001323419.2); c.34C>G (NM_002860.3); short protein forms P12A.
Identifiers: ClinVar variation 2932585 (VCV002932585.5), dbSNP rs1354582429, ClinGen allele CA377710672.
Genomic context (GRCh38, chr10:95,653,344, plus strand): 5'-ACATACGAGATCTGAAGACGGTTGTACACTTGACCCAGGGCAGAAGATGTTGGTTGAAGG[G>C]CTGGAACCCACAGCGGTAAACTTGACTCAACATGCTGCGATGTGGTCACTAACCAAAGTA-3'
Protein context (NP_002851.2, residues 2-22): LSQVYRCGFQ[Pro12Ala]FNQHLLPWVK

ClinVar aggregate classification (germline): Uncertain significance. Review status: criteria provided, multiple submitters, no conflicts (2 of 4 stars). 3 submissions from 3 submitters: Uncertain significance (3). Last evaluated 2024-01-17.

Conditions:
de Barsy syndrome. Also called: Cutis laxa-corneal clouding-oligophrenia syndrome. Identifiers: Orphanet 2962, MedGen C0268354, MONDO:0017569.
Cutis laxa, autosomal dominant 3 (ADCL3). Identifiers: Orphanet 90348, MedGen C4225268, MONDO:0014706, OMIM 616603.
Autosomal dominant spastic paraplegia type 9. Identifiers: MedGen C1832669, MONDO:0015091.
ALDH18A1-related de Barsy syndrome. Also called: DE BARSY SYNDROME A; Cutis laxa, autosomal recessive IIIA. Identifiers: Orphanet 2962, Orphanet 35664, MedGen C5234852, MONDO:0009053, OMIM 219150.
Autosomal recessive complex spastic paraplegia type 9B. Also called: Spastic paraplegia 9b, autosomal recessive. Identifiers: Orphanet 447760, MedGen C5568980, MONDO:0014702, OMIM 616586.
Hereditary spastic paraplegia 9A. Also called: SPASTIC PARAPLEGIA 9A, AUTOSOMAL DOMINANT; CATARACTS WITH MOTOR NEURONOPATHY, SHORT STATURE, AND SKELETAL ABNORMALITIES; SPASTIC PARAPARESIS WITH AMYOTROPHY, CATARACTS, AND GASTROESOPHAGEAL REFLUX. Identifiers: Orphanet 100990, Orphanet 447753, MedGen C5568978, MONDO:0011006, OMIM 601162.

Allele frequency attached by ClinVar (database versions not stated): gnomAD exomes below 0.00001.
gnomAD v4.1: 2 of 1,612,776 alleles (0.00012%); highest among the groups gnomAD compares: East Asian, 0.0045%; no homozygotes.

Submissions (3):

Fulgent Genetics
Classification: Uncertain significance for ALDH18A1-related de Barsy syndrome; Hereditary spastic paraplegia 9A; Autosomal recessive complex spastic paraplegia type 9B; Cutis laxa, autosomal dominant 3. Last evaluated: 2024-01-17. Review status: criteria provided, single submitter. Criteria: ACMG Guidelines, 2015. Collection method: clinical testing. Allele origin: germline.

GeneDx
Classification: Uncertain significance. Last evaluated: 2023-12-20. Review status: criteria provided, single submitter. Criteria: GeneDx Variant Classification Process June 2021. Collection method: clinical testing. Allele origin: germline. Affected: yes.
Comment: Not observed at significant frequency in large population cohorts (gnomAD); In silico analysis supports that this missense variant does not alter protein structure/function; This variant is associated with the following publications: (PMID: 34715294)

Labcorp Genetics (formerly Invitae), Labcorp
Classification: Uncertain significance for Autosomal dominant spastic paraplegia type 9; de Barsy syndrome; Cutis laxa, autosomal dominant 3. Last evaluated: 2023-07-19. Review status: criteria provided, single submitter. Criteria: Invitae Variant Classification Sherloc (09022015). Collection method: clinical testing. Allele origin: germline.
Comment: In summary, the available evidence is currently insufficient to determine the role of this variant in disease. Therefore, it has been classified as a Variant of Uncertain Significance. An algorithm developed to predict the effect of missense changes on protein structure and function (PolyPhen-2) suggests that this variant is likely to be tolerated. This variant has not been reported in the literature in individuals affected with ALDH18A1-related conditions. This variant is not present in population databases (gnomAD no frequency). This sequence change replaces proline, which is neutral and non-polar, with alanine, which is neutral and non-polar, at codon 12 of the ALDH18A1 protein (p.Pro12Ala).